The following is an entry in ClinVar:

NM_013436.5(NCKAP1):c.1783A>T (p.Ser595Cys)

Gene: NCKAP1 (NCK associated protein 1; minus strand). Cytogenetic location: 2q32.1.
Variant type: single nucleotide variant.
Coding change: c.1783A>T on transcript NM_013436.5 (MANE Select); coding-DNA position 1783, A replaced by T.
Protein change: p.Ser595Cys; replaces serine 595 with cysteine.
Molecular consequence: missense variant.
Genome position (GRCh38, 1-based): chr2:182,962,257, T>A on the plus strand (A>T on the coding strand, the complement: NCKAP1 is on the minus strand). VCF-style: chr2-182962257-T-A. GRCh37 (hg19) VCF-style: chr2-183826985-T-A.
Other names: c.1801A>T, p.Ser601Cys (NM_205842.3); short protein forms S595C, S601C.
Identifiers: ClinVar variation 1802135 (VCV001802135.1), dbSNP rs930006120, ClinGen allele CA349759090.

ClinVar aggregate classification (germline): Uncertain significance (1 of 4 stars; one submission).

Submission:

GeneDx
Classification: Uncertain significance. Last evaluated: 2022-06-02. Review status: criteria provided, single submitter. Criteria: GeneDx Variant Classification Process June 2021. Collection method: clinical testing. Allele origin: germline. Affected: yes.
Comment: Not observed at significant frequency in large population cohorts (gnomAD); In silico analysis supports that this missense variant has a deleterious effect on protein structure/function; Has not been previously published as pathogenic or benign to our knowledge